The following is an entry in ClinVar:

NM_000642.3(AGL):c.655A>G (p.Asn219Asp)

Gene: AGL (amylo-alpha-1,6-glucosidase and 4-alpha-glucanotransferase; plus strand). Cytogenetic location: 1p21.2.
Variant type: single nucleotide variant.
Coding change: c.655A>G on transcript NM_000642.3 (MANE Select); coding-DNA position 655, A replaced by G.
Protein change: p.Asn219Asp; replaces asparagine 219 with aspartic acid.
Molecular consequence: missense variant.
Genome position (GRCh38, 1-based): chr1:99,864,580, A>G. VCF-style: chr1-99864580-A-G. GRCh37 (hg19) VCF-style: chr1-100330136-A-G.
Other names: c.607A>G, p.Asn203Asp (NM_000646.3); c.655A>G, p.Asn219Asp (NM_001425325.1, NM_001425326.1, NM_001425327.1 and 3 more transcripts); c.277A>G, p.Asn93Asp (NM_001425332.1); c.655A>G (NM_000642.2); short protein forms N219D, N203D, N93D.
Identifiers: ClinVar variation 2202819 (VCV002202819.3), dbSNP rs1332399736, ClinGen allele CA341337129.

ClinVar aggregate classification (germline): Conflicting classifications of pathogenicity. Review status: criteria provided, conflicting classifications (1 of 4 stars). 3 submissions from 3 submitters: Likely pathogenic (2); Uncertain significance (1). Last evaluated 2025-07-21.

Conditions:
Glycogen storage disease type III (GSD3). Also called: Cori disease; FORBES DISEASE. Identifiers: Orphanet 366, MedGen C0017922, MONDO:0009291, OMIM 232400.

gnomAD v4.1: 1 of 1,613,484 alleles (0.000062%); highest among the groups gnomAD compares: Non-Finnish European, 0.000085%; no homozygotes.

Submissions (3):

Women's Health and Genetics/Laboratory Corporation of America, LabCorp
Classification: Likely pathogenic for Glycogen storage disease type III. Last evaluated: 2025-07-21. Review status: criteria provided, single submitter. Criteria: LabCorp Variant Classification Summary - May 2015. Collection method: clinical testing. Allele origin: germline.
Comment: Variant summary: AGL c.655A>G (p.Asn219Asp) results in a conservative amino acid change in the encoded protein sequence. Algorithms developed to predict the effect of missense changes on protein structure and function are either unavailable or do not agree on the potential impact of this missense change. The variant allele was found at a frequency of 4e-06 in 251114 control chromosomes. c.655A>G has been observed in the homozygous and compound heterozygous state in individuals affected with Glycogen storage disease type III (Skakic_2018, Sentner_2013, Cakar_2020). These data indicate that the variant is likely to be associated with disease. To our knowledge, no experimental evidence demonstrating an impact on protein function has been reported. The following publications have been ascertained in the context of this evaluation (PMID: 32374048, 23430490, 28685844). ClinVar contains an entry for this variant (Variation ID: 2202819). Based on the evidence outlined above, the variant was classified as likely pathogenic.

Baylor Genetics
Classification: Likely pathogenic for Glycogen storage disease type III. Last evaluated: 2024-01-19. Review status: criteria provided, single submitter. Criteria: ACMG Guidelines, 2015. Collection method: clinical testing. Allele origin: unknown.

Labcorp Genetics (formerly Invitae), Labcorp
Classification: Uncertain significance for Glycogen storage disease type III. Last evaluated: 2021-08-31. Review status: criteria provided, single submitter. Criteria: Invitae Variant Classification Sherloc (09022015). Collection method: clinical testing. Allele origin: germline.
Comment: This sequence change replaces asparagine with aspartic acid at codon 219 of the AGL protein (p.Asn219Asp). The asparagine residue is highly conserved and there is a small physicochemical difference between asparagine and aspartic acid. This variant is not present in population databases (ExAC no frequency). This missense change has been observed in individual(s) with glycogen storage disease (PMID: 23430490). Algorithms developed to predict the effect of missense changes on protein structure and function are either unavailable or do not agree on the potential impact of this missense change (SIFT: "Deleterious"; PolyPhen-2: "Probably Damaging"; Align-GVGD: "Class C0"). Experimental studies have shown that this missense change affects AGL function (PMID: 27088557). In summary, the available evidence is currently insufficient to determine the role of this variant in disease. Therefore, it has been classified as a Variant of Uncertain Significance.

Literature cited by the submitters: PubMed 23430490 (cited by Women's Health and Genetics/Laboratory Corporation of America, LabCorp and Labcorp Genetics (formerly Invitae), Labcorp); PubMed 32374048 (cited by Women's Health and Genetics/Laboratory Corporation of America, LabCorp); PubMed 28685844 (cited by Women's Health and Genetics/Laboratory Corporation of America, LabCorp); PubMed 27088557 (cited by Labcorp Genetics (formerly Invitae), Labcorp).